The following is an entry in ClinVar:

ClinVar aggregate classification (germline): Pathogenic/Likely pathogenic. Review status: criteria provided, multiple submitters, no conflicts (2 of 4 stars). 2 submissions from 2 submitters: Pathogenic (1); Likely pathogenic (1). Last evaluated 2023-05-03.

Conditions:
UNC80-related disorder. Also called: UNC80-related condition.

Submissions (2):

Labcorp Genetics (formerly Invitae), Labcorp
Classification: Pathogenic. Last evaluated: 2023-05-03. Review status: criteria provided, single submitter. Criteria: Invitae Variant Classification Sherloc (09022015). Collection method: clinical testing. Allele origin: germline.
Comment: This sequence change creates a premature translational stop signal (p.Trp141*) in the UNC80 gene. It is expected to result in an absent or disrupted protein product. Loss-of-function variants in UNC80 are known to be pathogenic (PMID: 26545877, 26708751, 26708753). For these reasons, this variant has been classified as Pathogenic. ClinVar contains an entry for this variant (Variation ID: 1952272). This variant has not been reported in the literature in individuals affected with UNC80-related conditions. This variant is not present in population databases (gnomAD no frequency).

PreventionGenetics, part of Exact Sciences
Classification: Likely pathogenic for UNC80-related condition. Last evaluated: 2023-03-23. Review status: criteria provided, single submitter. Criteria: ACMG Guidelines, 2015. Collection method: clinical testing. Allele origin: germline.
Comment: The UNC80 c.422G>A variant is predicted to result in premature protein termination (p.Trp141*). To our knowledge, this variant has not been reported in the literature or in a large population database, indicating this variant is rare. Nonsense variants in UNC80 are expected to be pathogenic. This variant is interpreted as likely pathogenic.

Literature cited by the submitters: PubMed 26545877 (cited by Labcorp Genetics (formerly Invitae), Labcorp); PubMed 26708751 (cited by Labcorp Genetics (formerly Invitae), Labcorp); PubMed 26708753 (cited by Labcorp Genetics (formerly Invitae), Labcorp).

NM_001371986.1(UNC80):c.422G>A (p.Trp141Ter)

Gene: UNC80 (unc-80 subunit of NALCN channel complex; plus strand). Cytogenetic location: 2q34.
Variant type: single nucleotide variant.
Coding change: c.422G>A on transcript NM_001371986.1 (MANE Select); coding-DNA position 422, G replaced by A.
Protein change: p.Trp141Ter; replaces tryptophan 141 with a stop codon.
Molecular consequence: nonsense.
Genome position (GRCh38, 1-based): chr2:209,777,381, G>A. VCF-style: chr2-209777381-G-A. GRCh37 (hg19) VCF-style: chr2-210642105-G-A.
Other names: c.422G>A (NM_032504.1); c.422G>A, p.Trp141Ter (NM_032504.2, NM_182587.4); short protein forms W141*.
Identifiers: ClinVar variation 1952272 (VCV001952272.6), dbSNP rs2470895545, ClinGen allele CA350131159.
Genomic context (GRCh38, chr2:209,777,381, plus strand): 5'-TGGAGGCCCCCCAGGACTGCAACAATGAGCGGTTTGGGGGTACAGACCGAGGCTCCAGCT[G>A]GGGTGGAAGCAGCAGTGCTTTCATCCACCAGGTTGAAAACCAGGGTTCTCCAGGGCAGCC-3'